The following is an entry in ClinVar:

ClinVar aggregate classification (germline): Benign/Likely benign. Review status: criteria provided, multiple submitters, no conflicts (2 of 4 stars). 3 submissions from 3 submitters: Benign (1); Likely benign (2). Last evaluated 2024-10-10.

Conditions:
Hereditary cancer-predisposing syndrome. Also called: Hereditary neoplastic syndrome; Tumor predisposition; Neoplastic Syndromes, Hereditary; Hereditary Cancer Syndrome. Identifiers: Orphanet 140162, MedGen C0027672, MeSH D009386, MONDO:0015356.
Hereditary diffuse gastric adenocarcinoma (HDGC). Also called: DIFFUSE GASTRIC AND LOBULAR BREAST CANCER SYNDROME. Identifiers: Orphanet 26106, MedGen C1708349, MONDO:0007648, OMIM 137215.

Allele frequency attached by ClinVar (database versions not stated): gnomAD exomes below 0.00001; TOPMed below 0.00001; ExAC 0.00001; gnomAD 0.00001.
gnomAD v4.1: 3 of 1,614,110 alleles (0.00019%); highest among the groups gnomAD compares: African/African-American, 0.0013%; no homozygotes.

Submissions (3):

Myriad Genetics, Inc.
Classification: Benign for Hereditary diffuse gastric adenocarcinoma. Last evaluated: 2024-10-10. Review status: criteria provided, single submitter. Criteria: Myriad Autosomal Dominant, Autosomal Recessive and X-Linked Classification Criteria (2023). Collection method: clinical testing. Allele origin: unknown.
Comment: This variant is considered benign. This variant is a silent/synonymous amino acid change and it is not expected to impact splicing.

Labcorp Genetics (formerly Invitae), Labcorp
Classification: Likely benign. Last evaluated: 2022-07-12. Review status: criteria provided, single submitter. Criteria: Invitae Variant Classification Sherloc (09022015). Collection method: clinical testing. Allele origin: germline.

Ambry Genetics
Classification: Likely benign for Hereditary cancer-predisposing syndrome. Last evaluated: 2020-03-16. Review status: criteria provided, single submitter. Criteria: Ambry Variant Classification Scheme 2023. Collection method: clinical testing. Allele origin: germline.

NM_001903.5(CTNNA1):c.1035G>A (p.Gln345=)

Gene: CTNNA1 (catenin alpha 1; plus strand). Cytogenetic location: 5q31.2.
Variant type: single nucleotide variant.
Coding change: c.1035G>A on transcript NM_001903.5 (MANE Select); coding-DNA position 1035, G replaced by A.
Protein change: p.Gln345=; no amino-acid change (glutamine 345 retained).
Molecular consequence: synonymous variant.
Genome position (GRCh38, 1-based): chr5:138,827,691, G>A. VCF-style: chr5-138827691-G-A. GRCh37 (hg19) VCF-style: chr5-138163380-G-A.
Other names: c.1035G>A, p.Gln345= (NM_001290307.3, NM_001323982.2, NM_001323983.1 and 3 more transcripts); c.726G>A, p.Gln242= (NM_001290309.3); c.666G>A, p.Gln222= (NM_001290310.3).
Identifiers: ClinVar variation 1110343 (VCV001110343.10), dbSNP rs754095343, ClinGen allele CA3431605.